The following is an entry in ClinVar:

ClinVar aggregate classification (germline): Likely benign. Review status: criteria provided, multiple submitters, no conflicts (2 of 4 stars). 3 submissions from 3 submitters: Likely benign (3). Last evaluated 2025-04-10.

Conditions:
RP1-related disorder. Also called: RP1-related condition.

Allele frequency attached by ClinVar (database versions not stated): gnomAD exomes 0.00002; ExAC 0.00003; gnomAD 0.00005; TOPMed 0.00005.
gnomAD v4.1: 78 of 1,613,076 alleles (0.0048%); highest among the groups gnomAD compares: African/African-American, 0.008%; no homozygotes.

Submissions (3):

PreventionGenetics, part of Exact Sciences
Classification: Likely benign for RP1-related condition. Last evaluated: 2025-04-10. Review status: criteria provided, single submitter. Criteria: ACMG Guidelines, 2015. Collection method: clinical testing. Allele origin: germline.
Comment: This variant is classified as likely benign based on ACMG/AMP sequence variant interpretation guidelines (Richards et al. 2015 PMID: 25741868, with internal and published modifications).

Labcorp Genetics (formerly Invitae), Labcorp
Classification: Likely benign. Last evaluated: 2025-03-25. Review status: criteria provided, single submitter. Criteria: Invitae Variant Classification Sherloc (09022015). Collection method: clinical testing. Allele origin: germline.

Blueprint Genetics
Classification: Likely benign. Last evaluated: 2021-12-15. Review status: criteria provided, single submitter. Criteria: ACMG Guidelines, 2015. Collection method: clinical testing. Allele origin: germline.

NM_006269.2(RP1):c.2508G>A (p.Pro836=)

Gene: RP1 (RP1 axonemal microtubule associated; plus strand). Cytogenetic location: 8q12.1.
Variant type: single nucleotide variant.
Coding change: c.2508G>A on transcript NM_006269.2 (MANE Select); coding-DNA position 2508, G replaced by A.
Protein change: p.Pro836=; no amino-acid change (proline 836 retained).
Molecular consequence: synonymous variant. On other transcripts: intron variant (1).
Genome position (GRCh38, 1-based): chr8:54,626,390, G>A. VCF-style: chr8-54626390-G-A. GRCh37 (hg19) VCF-style: chr8-55538950-G-A.
Other names: c.2508G>A (NM_006269.1); c.787+4102G>A (NM_001375654.1).
Identifiers: ClinVar variation 1158942 (VCV001158942.11), dbSNP rs763905641, ClinGen allele CA4751552.
Genomic context (GRCh38, chr8:54,626,390, plus strand): 5'-CAAAAGTTTATTTCATGTATTTAACATCCTTGAGCAAAAACCCAAAGATTTTTATGCACC[G>A]CAATCTCAAGCAGAAGTGGCATCTGGGTATTTGAGAGGAATGGCAAAGAAGAGTTTAGTT-3'
Protein context (NP_006260.1, residues 826-846): LEQKPKDFYA[Pro836=]QSQAEVASGY